The following is an entry in ClinVar:

NM_203447.4(DOCK8):c.*175G>C

Gene: DOCK8 (dedicator of cytokinesis 8; plus strand). Cytogenetic location: 9p24.3.
Variant type: single nucleotide variant.
Coding change: c.*175G>C on transcript NM_203447.4 (MANE Select); 175 bases downstream of the stop codon, G replaced by C.
Molecular consequence: 3 prime UTR variant.
Genome position (GRCh38, 1-based): chr9:464,394, G>C. VCF-style: chr9-464394-G-C. GRCh37 (hg19) VCF-style: chr9-464394-G-C.
Other names: c.*175G>C (NM_001190458.2, NM_001193536.2).
Identifiers: ClinVar variation 912506 (VCV000912506.4), dbSNP rs567438048, ClinGen allele CA187757650.

ClinVar aggregate classification (germline): Likely benign (1 of 4 stars; one submission).

Conditions:
Combined immunodeficiency due to DOCK8 deficiency (HIES2). Also called: HIES autosomal recessive; Hyper-IgE recurrent infection syndrome, autosomal recessive; HYPER-IgE SYNDROME 2, AUTOSOMAL RECESSIVE, WITH RECURRENT INFECTIONS; DOCK8 Deficiency; HYPER-IgE RECURRENT INFECTION SYNDROME 2, AUTOSOMAL RECESSIVE. Identifiers: Orphanet 217390, MedGen C4722305, MONDO:0009478, OMIM 243700.

Allele frequency attached by ClinVar (database versions not stated): gnomAD below 0.00001 and 0.00013; TOPMed 0.00003; gnomAD exomes 0.00020; 1000 Genomes Project 30x 0.00141; 1000 Genomes Project 0.00160.
gnomAD v4.1: 123 of 693,128 alleles (0.018%); highest among the groups gnomAD compares: South Asian, 0.19%; no homozygotes.

Submission:

Illumina Laboratory Services, Illumina
Classification: Likely benign for Combined immunodeficiency due to DOCK8 deficiency. Last evaluated: 2018-01-13. Review status: criteria provided, single submitter. Criteria: ICSL Variant Classification Criteria 13 December 2019. Collection method: clinical testing. Allele origin: germline.
Comment: This variant was observed in the ICSL laboratory as part of a predisposition screen in an ostensibly healthy population. It had not been previously curated by ICSL or reported in the Human Gene Mutation Database (HGMD: prior to June 1st, 2018), and was therefore a candidate for classification through an automated scoring system. Utilizing variant allele frequency, disease prevalence and penetrance estimates, and inheritance mode, an automated score was calculated to assess if this variant is too frequent to cause the disease. Based on the score and internal cut-off values, a variant classified as likely benign is not then subjected to further curation. The score for this variant resulted in a classification of likely benign for this disease.